The following is an entry in ClinVar:

ClinVar aggregate classification (germline): Benign. Review status: criteria provided, multiple submitters, no conflicts (2 of 4 stars). 4 submissions from 4 submitters: Benign (4). Last evaluated 2026-01-24.

Conditions:
Methylmalonic acidemia due to transcobalamin receptor defect (MATR). Also called: METHYLMALONIC ACIDURIA, TRANSIENT, DUE TO TRANSCOBALAMIN RECEPTOR DEFECT; METHYLMALONIC ACIDEMIA, TCblR TYPE. Identifiers: Orphanet 280183, MedGen C4749905, MONDO:0013341, OMIM 613646.

Allele frequency attached by ClinVar (database versions not stated): gnomAD 0.00016 and 0.00572; ESP Exome Variant Server 0.00031; TOPMed 0.00122; gnomAD exomes 0.01884; ExAC 0.02136; 1000 Genomes Project 30x 0.03529; 1000 Genomes Project 0.03814.
gnomAD v4.1: 14,724 of 1,613,784 alleles (0.91%); highest among the groups gnomAD compares: South Asian, 15%; 1,302 homozygotes.

Submissions (4):

Labcorp Genetics (formerly Invitae), Labcorp
Classification: Benign for Methylmalonic acidemia due to transcobalamin receptor defect. Last evaluated: 2026-01-24. Review status: criteria provided, single submitter. Criteria: Invitae Variant Classification Sherloc (09022015). Collection method: clinical testing. Allele origin: germline.

Mayo Clinic Laboratories, Mayo Clinic
Classification: Benign. Last evaluated: 2025-02-26. Review status: criteria provided, single submitter. Criteria: ACMG Guidelines, 2015. Collection method: clinical testing. Allele origin: germline. Observed: 1 variant allele.

GeneDx
Classification: Benign. Last evaluated: 2016-04-19. Review status: criteria provided, single submitter. Criteria: GeneDx Variant Classification (06012015). Collection method: clinical testing. Allele origin: germline. Affected: yes.
Comment: This variant is considered likely benign or benign based on one or more of the following criteria: it is a conservative change, it occurs at a poorly conserved position in the protein, it is predicted to be benign by multiple in silico algorithms, and/or has population frequency not consistent with disease.

Breakthrough Genomics
Classification: Benign. Review status: criteria provided, single submitter. Criteria: ACMG Guidelines, 2015. Collection method: not provided. Allele origin: germline. Inheritance: Autosomal recessive inheritance. Affected: yes.

NM_016579.4(CD320):c.772C>T (p.Arg258Cys)

Gene: CD320 (CD320 molecule; minus strand). Cytogenetic location: 19p13.2.
Variant type: single nucleotide variant.
Coding change: c.772C>T on transcript NM_016579.4 (MANE Select); coding-DNA position 772, C replaced by T.
Protein change: p.Arg258Cys; replaces arginine 258 with cysteine.
Molecular consequence: missense variant.
Genome position (GRCh38, 1-based): chr19:8,302,540, G>A on the plus strand (C>T on the coding strand, the complement: CD320 is on the minus strand). VCF-style: chr19-8302540-G-A. GRCh37 (hg19) VCF-style: chr19-8367424-G-A.
Other names: p.Arg258Cys; c.646C>T, p.Arg216Cys (NM_001165895.2); short protein forms R258C, R216C.
Identifiers: ClinVar variation 377633 (VCV000377633.12), dbSNP rs146190802, ClinGen allele CA9154611.